The following is an entry in ClinVar:

NM_015338.6(ASXL1):c.2884G>A (p.Val962Met)

Gene: ASXL1 (ASXL transcriptional regulator 1; plus strand). Cytogenetic location: 20q11.21.
Variant type: single nucleotide variant.
Coding change: c.2884G>A on transcript NM_015338.6 (MANE Select); coding-DNA position 2884, G replaced by A.
Protein change: p.Val962Met; replaces valine 962 with methionine.
Molecular consequence: missense variant.
Genome position (GRCh38, 1-based): chr20:32,435,596, G>A. VCF-style: chr20-32435596-G-A. GRCh37 (hg19) VCF-style: chr20-31023399-G-A.
Other names: c.2701G>A, p.Val901Met (NM_001363734.1); short protein forms V901M, V962M.
Identifiers: ClinVar variation 3792089 (VCV003792089.1).
Genomic context (GRCh38, chr20:32,435,596, plus strand): 5'-GGGGATTTGACAGCTGAGGAGGGTCTAGATCCTCTTGACAGCCTTACTTCACTCTGGACT[G>A]TGCCATCTCGAGGAGGCAGTGACAGCAATGGCAGTTACTGTCAACAGGTGGACATTGAAA-3'
Protein context (NP_056153.2, residues 952-972): PLDSLTSLWT[Val962Met]PSRGGSDSNG

ClinVar aggregate classification (germline): Uncertain significance (1 of 4 stars; one submission).

Conditions:
Inborn genetic diseases. Identifiers: MedGen C0950123, MeSH D030342.

Submission:

Ambry Genetics
Classification: Uncertain significance for Inborn genetic diseases. Last evaluated: 2025-01-08. Review status: criteria provided, single submitter. Criteria: Ambry Variant Classification Scheme 2023. Collection method: clinical testing. Allele origin: germline.
Comment: The p.V962M variant (also known as c.2884G>A), located in coding exon 13 of the ASXL1 gene, results from a G to A substitution at nucleotide position 2884. The valine at codon 962 is replaced by methionine, an amino acid with highly similar properties. This amino acid position is conserved. In addition, this alteration is predicted to be tolerated by in silico analysis. Based on the available evidence, the clinical significance of this variant remains unclear.